The following is an entry in ClinVar:

NM_033100.4(CDHR1):c.2258T>A (p.Ile753Asn)

Gene: CDHR1 (cadherin related family member 1; plus strand). Cytogenetic location: 10q23.1.
Variant type: single nucleotide variant.
Coding change: c.2258T>A on transcript NM_033100.4 (MANE Select); coding-DNA position 2258, T replaced by A.
Protein change: p.Ile753Asn; replaces isoleucine 753 with asparagine.
Molecular consequence: missense variant. On other transcripts: intron variant (1).
Genome position (GRCh38, 1-based): chr10:84,214,299, T>A. VCF-style: chr10-84214299-T-A. GRCh37 (hg19) VCF-style: chr10-85974055-T-A.
Other names: c.2258T>A (NM_033100.2); c.2040+951T>A (NM_001171971.3); short protein forms I753N.
Identifiers: ClinVar variation 1496286 (VCV001496286.6), dbSNP rs755548090, ClinGen allele CA5580188.
Genomic context (GRCh38, chr10:84,214,299, plus strand): 5'-TCCTGCCAATGCGGCGGGTGCTCCGCAAGCGGCCCAGCCCTGCGCCCCGCACCATCCGCA[T>A]TGAGTGGCTCAAGTCCAAGAGCACCAAAGCCGCTACCAAGTTCATGCTCAAAGAGAAACC-3'
Protein context (NP_149091.1, residues 743-763): RPSPAPRTIR[Ile753Asn]EWLKSKSTKA

ClinVar aggregate classification (germline): Uncertain significance. Review status: criteria provided, multiple submitters, no conflicts (2 of 4 stars). 3 submissions from 3 submitters: Uncertain significance (3). Last evaluated 2025-08-10.

Conditions:
Inborn genetic diseases. Identifiers: MedGen C0950123, MeSH D030342.

gnomAD v4.1: 16 of 1,613,934 alleles (0.00099%); highest among the groups gnomAD compares: African/African-American, 0.02%; no homozygotes.

Submissions (3):

Ambry Genetics
Classification: Uncertain significance for Inborn genetic diseases. Last evaluated: 2025-08-10. Review status: criteria provided, single submitter. Criteria: Ambry Variant Classification Scheme 2023. Collection method: clinical testing. Allele origin: germline.

Blueprint Genetics
Classification: Uncertain significance. Last evaluated: 2023-09-14. Review status: criteria provided, single submitter. Criteria: ACMG Guidelines, 2015. Collection method: clinical testing. Allele origin: germline.

Labcorp Genetics (formerly Invitae), Labcorp
Classification: Uncertain significance. Last evaluated: 2022-10-17. Review status: criteria provided, single submitter. Criteria: Invitae Variant Classification Sherloc (09022015). Collection method: clinical testing. Allele origin: germline.
Comment: In summary, the available evidence is currently insufficient to determine the role of this variant in disease. Therefore, it has been classified as a Variant of Uncertain Significance. Advanced modeling of protein sequence and biophysical properties (such as structural, functional, and spatial information, amino acid conservation, physicochemical variation, residue mobility, and thermodynamic stability) performed at Invitae indicates that this missense variant is not expected to disrupt CDHR1 protein function. ClinVar contains an entry for this variant (Variation ID: 1496286). This variant has not been reported in the literature in individuals affected with CDHR1-related conditions. The frequency data for this variant in the population databases is considered unreliable, as metrics indicate poor data quality at this position in the gnomAD database. This sequence change replaces isoleucine, which is neutral and non-polar, with asparagine, which is neutral and polar, at codon 753 of the CDHR1 protein (p.Ile753Asn).